The following is an entry in ClinVar:

ClinVar aggregate classification (germline): Benign/Likely benign. Review status: criteria provided, multiple submitters, no conflicts (2 of 4 stars). 4 submissions from 4 submitters: Benign (1); Likely benign (3). Last evaluated 2026-07-09.

Conditions:
Rhabdoid tumor predisposition syndrome 2 (RTPS2). Identifiers: Orphanet 231108, Orphanet 69077, MedGen C2750074, MONDO:0013224, OMIM 613325.
Hereditary cancer-predisposing syndrome. Also called: Tumor predisposition; Neoplastic Syndromes, Hereditary; Hereditary Cancer Syndrome; Hereditary neoplastic syndrome. Identifiers: Orphanet 140162, MedGen C0027672, MeSH D009386, MONDO:0015356.

gnomAD v4.1: 5 of 1,597,600 alleles (0.00031%); highest among the groups gnomAD compares: Non-Finnish European, 0.00043%; no homozygotes.

Submissions (4):

Myriad Genetics, Inc.
Classification: Benign for Rhabdoid tumor predisposition syndrome 2. Last evaluated: 2026-07-09. Review status: criteria provided, single submitter. Criteria: Myriad Autosomal Dominant, Autosomal Recessive and X-Linked Classification Criteria (2023). Collection method: clinical testing. Allele origin: unknown.
Comment: This variant is considered benign. This variant is a silent/synonymous amino acid change and it is not expected to impact splicing.

Labcorp Genetics (formerly Invitae), Labcorp
Classification: Likely benign for Rhabdoid tumor predisposition syndrome 2. Last evaluated: 2026-01-05. Review status: criteria provided, single submitter. Criteria: Invitae Variant Classification Sherloc (09022015). Collection method: clinical testing. Allele origin: germline.

CeGaT Center for Human Genetics Tuebingen
Classification: Likely benign. Last evaluated: 2024-02-01. Review status: criteria provided, single submitter. Criteria: CeGaT Center For Human Genetics Tuebingen Variant Classification Criteria Version 2. Collection method: clinical testing. Allele origin: germline. Affected: yes. Observed: 1 variant allele.
Comment: SMARCA4: BP4, BP7

Ambry Genetics
Classification: Likely benign for Hereditary cancer-predisposing syndrome. Last evaluated: 2016-06-02. Review status: criteria provided, single submitter. Criteria: Ambry Variant Classification Scheme 2023. Collection method: clinical testing. Allele origin: germline.

NM_003072.5(SMARCA4):c.969G>C (p.Ser323=)

Gene: SMARCA4 (SWI/SNF related BAF chromatin remodeling complex subunit ATPase 4; plus strand). Cytogenetic location: 19p13.2.
Variant type: single nucleotide variant.
Coding change: c.969G>C on transcript NM_003072.5 (MANE Select); coding-DNA position 969, G replaced by C.
Protein change: p.Ser323=; no amino-acid change (serine 323 retained).
Molecular consequence: synonymous variant. On other transcripts: non-coding transcript variant (1).
Genome position (GRCh38, 1-based): chr19:10,987,775, G>C. VCF-style: chr19-10987775-G-C. GRCh37 (hg19) VCF-style: chr19-11098451-G-C.
Other names: c.969G>C, p.Ser323= (NM_001128844.3, NM_001128845.2, NM_001128846.2 and 5 more transcripts).
Identifiers: ClinVar variation 470473 (VCV000470473.38), dbSNP rs770128715, ClinGen allele CA9203645.